The following is an entry in ClinVar:

NM_017635.5(KMT5B):c.563T>C (p.Met188Thr)

Gene: KMT5B (lysine methyltransferase 5B; minus strand). Cytogenetic location: 11q13.2.
Variant type: single nucleotide variant.
Coding change: c.563T>C on transcript NM_017635.5 (MANE Select); coding-DNA position 563, T replaced by C.
Protein change: p.Met188Thr; replaces methionine 188 with threonine.
Molecular consequence: missense variant. On other transcripts: non-coding transcript variant (3), 5 prime UTR variant (1).
Genome position (GRCh38, 1-based): chr11:68,173,894, A>G on the plus strand (T>C on the coding strand, the complement: KMT5B is on the minus strand). VCF-style: chr11-68173894-A-G. GRCh37 (hg19) VCF-style: chr11-67941361-A-G.
Other names: c.47T>C, p.Met16Thr (NM_001369432.1, NM_001369433.1, NM_001369424.1 and 5 more transcripts); c.563T>C, p.Met188Thr (NM_016028.4, NM_001363566.2, NM_001369426.1 and 1 more transcripts); c.494T>C, p.Met165Thr (NM_001300909.2); c.350T>C, p.Met117Thr (NM_001369425.1); c.-105T>C (NM_001300908.2); short protein forms M117T, M165T, M16T, M188T.
Identifiers: ClinVar variation 4795191 (VCV004795191.1).

ClinVar aggregate classification (germline): Uncertain significance (1 of 4 stars; one submission).

Conditions:
Intellectual developmental disorder, autosomal dominant 51. Also called: MENTAL RETARDATION, AUTOSOMAL DOMINANT 51; Intellectual disability, autosomal dominant 51. Identifiers: Orphanet 684226, MedGen C4540474, MONDO:0030917, OMIM 617788.

Submission:

Laboratorio de Biologia Molecular/Medicina Genomica - IFF/Fiocruz, Instituto Fernandes Figueira, Fundacao Oswaldo Cruz
Classification: Uncertain significance for Intellectual developmental disorder, autosomal dominant 51. Last evaluated: 2025-09-02. Review status: criteria provided, single submitter. Criteria: ACMG Guidelines, 2015. Collection method: clinical testing. Allele origin: germline. Affected: yes. Observed: 1 variant allele.
Comment: Variant: c.563T>C (p.Met188Thr) in exon 6 of the KMT5B gene. Protein effect: Missense substitutionat a highly conserved residue within a well-established functional region where pathogenic variants are frequently reported. In silico tools: Predict a deleterious impact. Population database (gnomAD): Absent or Extremely rare. ACMG/AMP criteria applied: PM1_Supporting, PM2_Supporting, PP3